The following is an entry in ClinVar:

ClinVar aggregate classification (germline): Uncertain significance (1 of 4 stars; one submission).

Allele frequency attached by ClinVar (database versions not stated): gnomAD exomes below 0.00001.
gnomAD v4.1: 4 of 1,614,154 alleles (0.00025%); highest among the groups gnomAD compares: South Asian, 0.0022%; no homozygotes.

Submission:

Labcorp Genetics (formerly Invitae), Labcorp
Classification: Uncertain significance. Last evaluated: 2022-03-04. Review status: criteria provided, single submitter. Criteria: Invitae Variant Classification Sherloc (09022015). Collection method: clinical testing. Allele origin: germline.
Comment: In summary, the available evidence is currently insufficient to determine the role of this variant in disease. Therefore, it has been classified as a Variant of Uncertain Significance. Algorithms developed to predict the effect of missense changes on protein structure and function output the following: SIFT: "Tolerated"; PolyPhen-2: "Benign"; Align-GVGD: "Class C0". The valine amino acid residue is found in multiple mammalian species, which suggests that this missense change does not adversely affect protein function. This variant has not been reported in the literature in individuals affected with RP1-related conditions. This variant is not present in population databases (gnomAD no frequency). This sequence change replaces isoleucine, which is neutral and non-polar, with valine, which is neutral and non-polar, at codon 1329 of the RP1 protein (p.Ile1329Val).

NM_006269.2(RP1):c.3985A>G (p.Ile1329Val)

Gene: RP1 (RP1 axonemal microtubule associated; plus strand). Cytogenetic location: 8q12.1.
Variant type: single nucleotide variant.
Coding change: c.3985A>G on transcript NM_006269.2 (MANE Select); coding-DNA position 3985, A replaced by G.
Protein change: p.Ile1329Val; replaces isoleucine 1329 with valine.
Molecular consequence: missense variant. On other transcripts: intron variant (1).
Genome position (GRCh38, 1-based): chr8:54,627,867, A>G. VCF-style: chr8-54627867-A-G. GRCh37 (hg19) VCF-style: chr8-55540427-A-G.
Other names: c.787+5579A>G (NM_001375654.1); short protein forms I1329V.
Identifiers: ClinVar variation 2041433 (VCV002041433.4), dbSNP rs1806116014, ClinGen allele CA370980860.